The following is an entry in ClinVar:

NM_001291303.3(FAT4):c.12686_12687dup (p.Leu4230fs)

Gene: FAT4 (FAT atypical cadherin 4; plus strand). Cytogenetic location: 4q28.1.
Variant type: Microsatellite.
Coding change: c.12686_12687dup on transcript NM_001291303.3 (MANE Select); coding-DNA positions 12686 to 12687, 2 bases duplicated (AT; older notation c.12686_12687dupAT).
Protein change: p.Leu4230fs; shifts the reading frame from leucine 4230.
Molecular consequence: frameshift variant.
Genome position (GRCh38, 1-based): chr4:125,481,602-125,481,603, AT duplicated; duplicating any 2 consecutive bases within chr4:125,481,600-125,481,603 gives the same sequence; the c. name uses the placement nearest the transcript's 3' end. VCF-style (leftmost placement, unchanged base first): chr4-125481599-A-AAT. GRCh37 (hg19) VCF-style: chr4-126402754-A-AAT.
Other names: c.12686_12687dup, p.Leu4230fs (NM_001291285.3); c.12680_12681dup, p.Leu4228fs (NM_024582.6); short protein forms L4230fs, L4228fs.
Identifiers: ClinVar variation 2028545 (VCV002028545.4), dbSNP rs2531022178, ClinGen allele CA2580616772.
Genomic context (GRCh38, chr4:125,481,599, plus strand): 5'-CCTTATCATTAGAAGGCAAAGGGCGCTTGGACTACCACATGAGTCAGAATGAGAAGCGGG[A>AAT]ATATTTGTTAAGGCAAAGCTTACGAGGTGCCATGTTGGAGCCTTTTGGTGTGAACAGTCT-3'

ClinVar aggregate classification (germline): Pathogenic (1 of 4 stars; one submission).

Submission:

Labcorp Genetics (formerly Invitae), Labcorp
Classification: Pathogenic. Last evaluated: 2022-09-02. Review status: criteria provided, single submitter. Criteria: Invitae Variant Classification Sherloc (09022015). Collection method: clinical testing. Allele origin: germline.
Comment: This variant has not been reported in the literature in individuals affected with FAT4-related conditions. This variant is not present in population databases (gnomAD no frequency). This sequence change creates a premature translational stop signal (p.Leu4228Ilefs*3) in the FAT4 gene. It is expected to result in an absent or disrupted protein product. Loss-of-function variants in FAT4 are known to be pathogenic (PMID: 24056717, 24913602). For these reasons, this variant has been classified as Pathogenic.

Literature cited by the submitters: PubMed 24056717; PubMed 24913602.